The following is an entry in ClinVar:

ClinVar aggregate classification (germline): Uncertain significance. Review status: criteria provided, single submitter (1 of 4 stars). 2 submissions from 2 submitters: Uncertain significance (1). 1 of the submissions does not count toward it. Last evaluated 2024-04-08.

Conditions:
PRPH2-related disorder. Also called: PRPH2-related disorders; PRPH2-related condition. Identifiers: MedGen CN239395.

Submissions (2):

Labcorp Genetics (formerly Invitae), Labcorp
Classification: Uncertain significance for PRPH2-related disorder. Last evaluated: 2024-04-08. Review status: criteria provided, single submitter. Criteria: Invitae Variant Classification Sherloc (09022015). Collection method: clinical testing. Allele origin: germline.
Comment: This sequence change replaces tyrosine, which is neutral and polar, with histidine, which is basic and polar, at codon 91 of the PRPH2 protein (p.Tyr91His). This variant is not present in population databases (gnomAD no frequency). This missense change has been observed in individual(s) with cone-rod dystrophy (PMID: 28559085). ClinVar contains an entry for this variant (Variation ID: 1175213). Advanced modeling of protein sequence and biophysical properties (such as structural, functional, and spatial information, amino acid conservation, physicochemical variation, residue mobility, and thermodynamic stability) has been performed at Invitae for this missense variant, however the output from this modeling did not meet the statistical confidence thresholds required to predict the impact of this variant on PRPH2 protein function. In summary, the available evidence is currently insufficient to determine the role of this variant in disease. Therefore, it has been classified as a Variant of Uncertain Significance.

Leiden Open Variation Database
Classification: Likely pathogenic. Last evaluated: 2021-02-26. Review status: no assertion criteria provided. Collection method: curation. Allele origin: germline. Affected: yes. Not counted in ClinVar's aggregate classification.
Comment: Curator: Global Variome, with Curator vacancy. Submitter to LOVD: LOVD.

Literature cited by the submitters: PubMed 28559085 (cited by Labcorp Genetics (formerly Invitae), Labcorp and Leiden Open Variation Database).

NM_000322.5(PRPH2):c.271T>C (p.Tyr91His)

Gene: PRPH2 (peripherin 2; minus strand). Cytogenetic location: 6p21.1.
Variant type: single nucleotide variant.
Coding change: c.271T>C on transcript NM_000322.5 (MANE Select); coding-DNA position 271, T replaced by C.
Protein change: p.Tyr91His; replaces tyrosine 91 with histidine.
Molecular consequence: missense variant.
Genome position (GRCh38, 1-based): chr6:42,722,064, A>G on the plus strand (T>C on the coding strand, the complement: PRPH2 is on the minus strand). VCF-style: chr6-42722064-A-G. GRCh37 (hg19) VCF-style: chr6-42689802-A-G.
Other names: short protein forms Y91H.
Identifiers: ClinVar variation 1175213 (VCV001175213.3), dbSNP rs747893076, ClinGen allele CA364138062.
Genomic context (GRCh38, chr6:42,722,064, plus strand): 5'-TGATGTTGAAGAGAACACAGATAGCCAGGTACGGCTTCAGCCAGGGCTTCCATCTGGCAT[A>G]CTTGGCTGGGTCCAGGGCGTCGTAGCAGATCTTCCCAGCCAGCGAGTTGAAGACACAGGA-3'
Protein context (NP_000313.2, residues 81-101): ICYDALDPAK[Tyr91His]ARWKPWLKPY